The following is an entry in ClinVar:

ClinVar aggregate classification (germline): Likely benign. Review status: criteria provided, multiple submitters, no conflicts (2 of 4 stars). 3 submissions from 3 submitters: Likely benign (2). 1 of the submissions does not count toward it. Last evaluated 2025-08-07.

Conditions:
AUTS2-related disorder. Also called: AUTS2-related condition.

Allele frequency attached by ClinVar (database versions not stated): ExAC 0.00002; gnomAD exomes 0.00002 and 0.00001; 1000 Genomes Project 0.00020; 1000 Genomes Project 30x 0.00016; gnomAD 0.00020 and 0.00018; TOPMed 0.00040.
gnomAD v4.1: 41 of 1,599,390 alleles (0.0026%); highest among the groups gnomAD compares: Admixed American, 0.059%; no homozygotes.

Submissions (3):

Labcorp Genetics (formerly Invitae), Labcorp
Classification: Likely benign. Last evaluated: 2025-08-07. Review status: criteria provided, single submitter. Criteria: Invitae Variant Classification Sherloc (09022015). Collection method: clinical testing. Allele origin: germline.

GeneDx
Classification: Likely benign. Last evaluated: 2021-03-30. Review status: criteria provided, single submitter. Criteria: GeneDx Variant Classification Process June 2021. Collection method: clinical testing. Allele origin: germline. Affected: yes.

PreventionGenetics, part of Exact Sciences
Classification: Likely benign for AUTS2-related condition. Last evaluated: 2021-05-05. Review status: no assertion criteria provided. Collection method: clinical testing. Allele origin: germline. Not counted in ClinVar's aggregate classification.
Comment: This variant is classified as likely benign based on ACMG/AMP sequence variant interpretation guidelines (Richards et al. 2015 PMID: 25741868, with internal and published modifications).

NM_015570.4(AUTS2):c.1344C>T (p.Leu448=)

Gene: AUTS2 (activator of transcription and developmental regulator AUTS2; plus strand). Cytogenetic location: 7q11.22.
Variant type: single nucleotide variant.
Coding change: c.1344C>T on transcript NM_015570.4 (MANE Select); coding-DNA position 1344, C replaced by T.
Protein change: p.Leu448=; no amino-acid change (leucine 448 retained).
Molecular consequence: synonymous variant.
Genome position (GRCh38, 1-based): chr7:70,764,881, C>T. VCF-style: chr7-70764881-C-T. GRCh37 (hg19) VCF-style: chr7-70229867-C-T.
Other names: c.1344C>T, p.Leu448= (NM_001127231.3); c.1344C>T (NM_015570.3).
Identifiers: ClinVar variation 1215311 (VCV001215311.8), dbSNP rs201372643, ClinGen allele CA4280621.